The following is an entry in ClinVar:

NM_000313.4(PROS1):c.1351C>T (p.Arg451Ter)

Gene: PROS1 (protein S; minus strand). Cytogenetic location: 3q11.1.
Variant type: single nucleotide variant.
Coding change: c.1351C>T on transcript NM_000313.4 (MANE Select); coding-DNA position 1351, C replaced by T.
Protein change: p.Arg451Ter; replaces arginine 451 with a stop codon.
Molecular consequence: nonsense.
Genome position (GRCh38, 1-based): chr3:93,884,869, G>A on the plus strand (C>T on the coding strand, the complement: PROS1 is on the minus strand). VCF-style: chr3-93884869-G-A. GRCh37 (hg19) VCF-style: chr3-93603713-G-A.
Other names: p.Arg451*; c.1447C>T, p.Arg483Ter (NM_001314077.2); short protein forms R451*, R483*.
Identifiers: ClinVar variation 503726 (VCV000503726.20), dbSNP rs5017717, ClinGen allele CA78477958.
Genomic context (GRCh38, chr3:93,884,869, plus strand): 5'-GTTTTTCTTGAATAATTTCCTTTATTCCAGAAGCTCCTTGCTTCATCAAATTCCAGCTTC[G>A]TATACATCCATCTAGACGAGGGTTAATCTAACAAATTAAAATACAAGTCAAGGAGTGCAT-3'

ClinVar aggregate classification (germline): Pathogenic/Likely pathogenic. Review status: criteria provided, multiple submitters, no conflicts (2 of 4 stars). 11 submissions from 11 submitters: Pathogenic (8); Likely pathogenic (1). 2 of the submissions do not count toward it. Last evaluated 2025-11-12.

Conditions:
Thrombophilia due to protein S deficiency, autosomal recessive (THPH6). Identifiers: Orphanet 743, MedGen C3281092, MONDO:0013791, OMIM 614514. Disease mechanism: loss of function.
Thrombophilia due to protein S deficiency, autosomal dominant (THPH5). Identifiers: Orphanet 26349, Orphanet 743, MedGen C3278211, MONDO:0012868, OMIM 612336. Disease mechanism: loss of function.
Protein S deficiency disease. Also called: Protein S deficiency. Identifiers: MedGen C0242666, MeSH D018455, MONDO:0002304.
PROS1-related disorder. Also called: PROS1-related condition.

Allele frequency attached by ClinVar (database versions not stated): TOPMed below 0.00001; gnomAD 0.00001.
gnomAD v4.1: 4 of 1,612,824 alleles (0.00025%); highest among the groups gnomAD compares: East Asian, 0.0022%; no homozygotes.

Submissions (11):

GeneDx
Classification: Pathogenic. Last evaluated: 2025-11-12. Review status: criteria provided, single submitter. Criteria: GeneDx Variant Classification Process June 2021. Collection method: clinical testing. Allele origin: germline. Affected: yes.
Comment: Nonsense variant predicted to result in protein truncation or nonsense mediated decay in a gene for which loss of function is a known mechanism of disease; Not observed at significant frequency in large population cohorts (gnomAD); This variant is associated with the following publications: (PMID: 28607330, 25525159, 7579449, 31064749, 31068512, 34729451, 18322254, 23813890, 25272994, 29321366, 27838551, 15712227, 32964666, 35815065, 26372516, 37647632)

Labcorp Genetics (formerly Invitae), Labcorp
Classification: Pathogenic for Thrombophilia due to protein S deficiency, autosomal recessive. Last evaluated: 2025-10-29. Review status: criteria provided, single submitter. Criteria: Invitae Variant Classification Sherloc (09022015). Collection method: clinical testing. Allele origin: germline.
Comment: This sequence change creates a premature translational stop signal (p.Arg451*) in the PROS1 gene. It is expected to result in an absent or disrupted protein product. Loss-of-function variants in PROS1 are known to be pathogenic (PMID: 9241758). This variant is not present in population databases (gnomAD no frequency). This premature translational stop signal has been observed in individuals with protein S deficiency (PMID: 7579449, 18322254, 29321366). It has also been observed to segregate with disease in related individuals. This variant is also known as Arg410STOP. ClinVar contains an entry for this variant (Variation ID: 503726). For these reasons, this variant has been classified as Pathogenic.

Institute of Immunology and Genetics Kaiserslautern
Classification: Pathogenic for Thrombophilia due to protein S deficiency, autosomal dominant. Last evaluated: 2025-06-04. Review status: criteria provided, single submitter. Criteria: ACMG Guidelines, 2015. Collection method: clinical testing. Allele origin: germline. Affected: yes.
Comment: ACMG Criteria: PVS1, PM2, PP5; Variant was found in heterozygous state.

Mayo Clinic Laboratories, Mayo Clinic
Classification: Pathogenic. Last evaluated: 2024-04-11. Review status: criteria provided, single submitter. Criteria: ACMG Guidelines, 2015. Collection method: clinical testing. Allele origin: germline. Observed: 1 variant allele.
Comment: PP1_strong, PM2_moderate, PM3, PS3_moderate, PS4_moderate, PVS1

Provincial Medical Genetics Program of British Columbia, University of British Columbia
Classification: Pathogenic for Thrombophilia due to protein S deficiency, autosomal dominant. Last evaluated: 2022-01-01. Review status: criteria provided, single submitter. Criteria: ACMG Guidelines, 2015. Collection method: clinical testing. Allele origin: paternal. Affected: yes.

Blueprint Genetics
Classification: Pathogenic for PROS1-related disorders. Last evaluated: 2021-11-04. Review status: criteria provided, single submitter. Criteria: ACMG Guidelines, 2015. Collection method: clinical testing. Allele origin: germline. Affected: yes. Observed: 2 variant alleles.

MGZ Medical Genetics Center
Classification: Pathogenic for Thrombophilia due to protein S deficiency, autosomal dominant. Last evaluated: 2021-09-08. Review status: criteria provided, single submitter. Criteria: ACMG Guidelines, 2015. Collection method: clinical testing. Allele origin: germline. Affected: yes. Observed: 1 variant allele.
Comment: ACMG criteria applied: PVS1, PM2_SUP, PP1

NIHR Bioresource Rare Diseases, University of Cambridge
Classification: Likely pathogenic for Reduced protein S activity. Last evaluated: 2019-02-01. Review status: criteria provided, single submitter. Criteria: ACMG Guidelines, 2015. Collection method: research. Allele origin: unknown. Affected: yes. Observed: 1 heterozygote. Study: ThromboGenomics.

Juno Genomics, Hangzhou Juno Genomics, Inc
Classification: Pathogenic for Thrombophilia due to protein S deficiency, autosomal dominant; Thrombophilia due to protein S deficiency, autosomal recessive. Review status: criteria provided, single submitter. Criteria: ACMG Guidelines, 2015. Collection method: clinical testing. Allele origin: germline.
Comment: Absent from controls (or at extremely low frequency if recessive) in Genome Aggregation Database.;Null variant in a gene where loss of function (LOF) is a known mechanism of disease.;The prevalence of the variant in affected individuals is significantly increased compared to the prevalence in controls.;Co-segregation with disease in multiple affected family members.;Patient's phenotype or family history is highly specific for a disease with a single genetic etiology.

Department of Transfusion Medicine and Hemostaseology, University Hospital Erlangen
Classification: Pathogenic for Thrombophilia due to protein S deficiency, autosomal dominant. Last evaluated: 2025-09-01. Review status: no assertion criteria provided. Collection method: clinical testing. Allele origin: germline. Not counted in ClinVar's aggregate classification.
Comment: This variant was identified during a screening of patients with suspected hereditary Protein S deficiency. It has been repeatedly described in the literature as correlating with protein S deficiency (e.g., PMID: 7579449, 8865520, 9241758) and has been characterized in vitro as causative for Protein S deficiency (PMID: 7579449, 8865520, 18322254). According to dbSNP it represents a very rare genetic alteration, previously not detected in the European population according to the Allele Frequency Aggregator dataset. Taken together and with respect to the introduction of a premature stop codon within the Laminin G-like 1 domain of Protein S, we classified this variant as pathogenic.

Zotz-Klimas Genetics Lab, MVZ Zotz Klimas
Classification: Pathogenic for Thrombophilia due to protein S deficiency, autosomal dominant. Last evaluated: 2023-11-02. Review status: no assertion criteria provided. Collection method: clinical testing. Allele origin: germline. Affected: yes. Not counted in ClinVar's aggregate classification.

Literature cited by the submitters: PubMed 9241758 (cited by Labcorp Genetics (formerly Invitae), Labcorp and Department of Transfusion Medicine and Hemostaseology, University Hospital Erlangen); PubMed 7579449 (cited by 3 submitters); PubMed 18322254 (cited by 3 submitters); PubMed 29321366 (cited by Labcorp Genetics (formerly Invitae), Labcorp and Mayo Clinic Laboratories, Mayo Clinic); PubMed 10063989 (cited by Mayo Clinic Laboratories, Mayo Clinic); PubMed 32964666 (cited by Mayo Clinic Laboratories, Mayo Clinic); PubMed 34729451 (cited by Mayo Clinic Laboratories, Mayo Clinic); PubMed 35815065 (cited by Mayo Clinic Laboratories, Mayo Clinic); PubMed 8765219 (cited by Mayo Clinic Laboratories, Mayo Clinic); PubMed 8865520 (cited by Mayo Clinic Laboratories, Mayo Clinic and Department of Transfusion Medicine and Hemostaseology, University Hospital Erlangen); PubMed 31064749 (cited by NIHR Bioresource Rare Diseases, University of Cambridge).